The following is an entry in ClinVar:

NM_000492.4(CFTR):c.4115C>T (p.Pro1372Leu)

Gene: CFTR (CF transmembrane conductance regulator; plus strand). Cytogenetic location: 7q31.2.
Variant type: single nucleotide variant.
Coding change: c.4115C>T on transcript NM_000492.4 (MANE Select); coding-DNA position 4115, C replaced by T.
Protein change: p.Pro1372Leu; replaces proline 1372 with leucine.
Molecular consequence: missense variant.
Genome position (GRCh38, 1-based): chr7:117,664,839, C>T. VCF-style: chr7-117664839-C-T. GRCh37 (hg19) VCF-style: chr7-117304893-C-T.
Other names: short protein forms P1372L.
Identifiers: ClinVar variation 53893 (VCV000053893.14), dbSNP rs397508677, ClinGen allele CA327408.

ClinVar aggregate classification (germline): Uncertain significance. Review status: criteria provided, multiple submitters, no conflicts (2 of 4 stars). 5 submissions from 5 submitters: Uncertain significance (5). Last evaluated 2026-06-30.

Conditions:
Cystic fibrosis (CF). Also called: MUCOVISCIDOSIS. Identifiers: Orphanet 586, MedGen C0010674, MONDO:0009061, OMIM 219700. Disease mechanism: loss of function.

Allele frequency attached by ClinVar (database versions not stated): TOPMed 0.00001; gnomAD exomes 0.00001.
gnomAD v4.1: 4 of 1,613,934 alleles (0.00025%); highest among the groups gnomAD compares: Admixed American, 0.0033%; no homozygotes.

Submissions (5):

Women's Health and Genetics/Laboratory Corporation of America, LabCorp
Classification: Uncertain significance. Last evaluated: 2026-06-30. Review status: criteria provided, single submitter. Criteria: LabCorp Variant Classification Summary - May 2015. Collection method: clinical testing. Allele origin: germline.
Comment: Variant summary: CFTR c.4115C>T (p.Pro1372Leu) results in a non-conservative amino acid change in the encoded protein sequence. Algorithms developed to predict the effect of missense changes on protein structure and function all suggest that this variant is likely to be disruptive. The variant allele was found at a frequency of 8e-06 in 251256 control chromosomes. The available data on variant occurrences in the general population are insufficient to allow any conclusion about variant significance. c.4115C>T has been observed in an individual who underwent testing for Cystic Fibrosis without a specified phenotype and without a second CFTR variant identified (Schrijver_2005). This report does not provide unequivocal conclusions about association of the variant with disease. To our knowledge, no experimental evidence demonstrating an impact on protein function has been reported. The following publications have been ascertained in the context of this evaluation (PMID: 25735457, 39532587, 15858154). ClinVar contains an entry for this variant (Variation ID: 53893). Based on the evidence outlined above, the variant was classified as uncertain significance.

Johns Hopkins Genomics, Johns Hopkins University
Classification: Uncertain significance for Cystic fibrosis. Last evaluated: 2025-04-23. Review status: criteria provided, single submitter. Criteria: ACMG Guidelines, 2015. Collection method: clinical testing. Allele origin: germline.
Comment: The clinical significance of this variant is uncertain (PM2, PP3).

Ambry Genetics
Classification: Uncertain significance for Cystic fibrosis. Last evaluated: 2023-08-02. Review status: criteria provided, single submitter. Criteria: Ambry Variant Classification Scheme 2023. Collection method: clinical testing. Allele origin: germline.
Comment: The p.P1372L variant (also known as c.4115C>T), located in coding exon 25 of the CFTR gene, results from a C to T substitution at nucleotide position 4115. The proline at codon 1372 is replaced by leucine, an amino acid with similar properties. This alteration has been detected once in a cohort of individuals with clinical manifestations consistent with cystic fibrosis (CF); however, specific phenotypic information was not provided and authors did not identify a second alteration (Schrijver I et al. J Mol Diagn, 2005 May;7:289-99). This amino acid position is highly conserved in available vertebrate species. In addition, this alteration is predicted to be deleterious by in silico analysis. Since supporting evidence is limited at this time, the clinical significance of this alteration remains unclear.

Labcorp Genetics (formerly Invitae), Labcorp
Classification: Uncertain significance for Cystic fibrosis. Last evaluated: 2021-08-26. Review status: criteria provided, single submitter. Criteria: Invitae Variant Classification Sherloc (09022015). Collection method: clinical testing. Allele origin: germline.
Comment: This sequence change replaces proline with leucine at codon 1372 of the CFTR protein (p.Pro1372Leu). The proline residue is moderately conserved and there is a moderate physicochemical difference between proline and leucine. This variant is not present in population databases (ExAC no frequency). This missense change has been observed in individual(s) with clinical features of CFTR-related conditions (PMID: 15858154). ClinVar contains an entry for this variant (Variation ID: 53893). Algorithms developed to predict the effect of missense changes on protein structure and function (SIFT, PolyPhen-2, Align-GVGD) all suggest that this variant is likely to be disruptive. In summary, the available evidence is currently insufficient to determine the role of this variant in disease. Therefore, it has been classified as a Variant of Uncertain Significance.

Quest Diagnostics Nichols Institute San Juan Capistrano
Classification: Uncertain significance. Last evaluated: 2016-12-05. Review status: criteria provided, single submitter. Criteria: Quest Diagnostics criteria. Collection method: clinical testing. Allele origin: germline.

Literature cited by the submitters: PubMed 15858154 (cited by 5 submitters); PubMed 25735457 (cited by Women's Health and Genetics/Laboratory Corporation of America, LabCorp); PubMed 39532587 (cited by Women's Health and Genetics/Laboratory Corporation of America, LabCorp and Johns Hopkins Genomics, Johns Hopkins University).